The following is an entry in ClinVar:

NM_002184.4(IL6ST):c.2071G>A (p.Val691Ile)

Gene: IL6ST (interleukin 6 cytokine family signal transducer; minus strand). Cytogenetic location: 5q11.2.
Variant type: single nucleotide variant.
Coding change: c.2071G>A on transcript NM_002184.4 (MANE Select); coding-DNA position 2071, G replaced by A.
Protein change: p.Val691Ile; replaces valine 691 with isoleucine.
Molecular consequence: missense variant. On other transcripts: 3 prime UTR variant (1), non-coding transcript variant (2).
Genome position (GRCh38, 1-based): chr5:55,941,768, C>T on the plus strand (G>A on the coding strand, the complement: IL6ST is on the minus strand). VCF-style: chr5-55941768-C-T. GRCh37 (hg19) VCF-style: chr5-55237596-C-T.
Other names: c.1888G>A, p.Val630Ile (NM_001190981.2); c.1969G>A, p.Val657Ile (NM_001364275.2); c.1861G>A, p.Val621Ile (NM_001364276.2); c.1204G>A, p.Val402Ile (NM_001364277.2); c.1168G>A, p.Val390Ile (NM_001364278.2); c.1075G>A, p.Val359Ile (NM_001364279.2); c.*998G>A (NM_175767.3); short protein forms V657I, V390I, V402I, V691I, V359I, V621I, V630I.
Identifiers: ClinVar variation 2254927 (VCV002254927.4), dbSNP rs1350091204, ClinGen allele CA359780046.
Genomic context (GRCh38, chr5:55,941,768, plus strand): 5'-ATGATTTCAGATCTTCTGGAAAAGGCTTTTTGTCATTTGCTTCTATTTCCACAACACTTA[C>T]ATCAGTGAAATTGCCATCTGAATACATTTGATCTTTTGAATTAAAATTGTGCTAAGGAAG-3'
Protein context (NP_002175.2, residues 681-701): QMYSDGNFTD[Val691Ile]SVVEIEANDK

ClinVar aggregate classification (germline): Uncertain significance. Review status: criteria provided, single submitter (1 of 4 stars). 2 submissions from 2 submitters: Uncertain significance (1). 1 of the submissions does not count toward it. Last evaluated 2021-10-12.

Conditions:
IL6ST-related disorder. Also called: IL6ST-related condition.

Allele frequency attached by ClinVar (database versions not stated): gnomAD 0.00001.
gnomAD v4.1: 3 of 1,613,392 alleles (0.00019%); highest among the groups gnomAD compares: South Asian, 0.0022%; no homozygotes.

Submissions (2):

Ambry Genetics
Classification: Uncertain significance. Last evaluated: 2021-10-12. Review status: criteria provided, single submitter. Criteria: Ambry Variant Classification Scheme 2023. Collection method: clinical testing. Allele origin: germline.

PreventionGenetics, part of Exact Sciences
Classification: Uncertain significance for IL6ST-related condition. Last evaluated: 2024-01-31. Review status: no assertion criteria provided. Collection method: clinical testing. Allele origin: germline. Not counted in ClinVar's aggregate classification.
Comment: The IL6ST c.2071G>A variant is predicted to result in the amino acid substitution p.Val691Ile. To our knowledge, this variant has not been reported in the literature. This variant is reported in 0.011% of alleles in individuals of African descent in gnomAD. At this time, the clinical significance of this variant is uncertain due to the absence of conclusive functional and genetic evidence.